The following is an entry in ClinVar:

NM_024757.5(EHMT1):c.5C>T (p.Ala2Val)

Genes: EHMT1 (euchromatic histone lysine methyltransferase 1; plus strand), LOC130003135 (ATAC-STARR-seq lymphoblastoid silent region 20636; plus strand). Cytogenetic location: 9q34.3.
Variant type: single nucleotide variant.
Coding change: c.5C>T on transcript NM_024757.5 (MANE Select); coding-DNA position 5, C replaced by T.
Protein change: p.Ala2Val; replaces alanine 2 with valine.
Molecular consequence: missense variant. On other transcripts: 5 prime UTR variant (2).
Genome position (GRCh38, 1-based): chr9:137,619,033, C>T. VCF-style: chr9-137619033-C-T. GRCh37 (hg19) VCF-style: chr9-140513485-C-T.
Other names: c.5C>T, p.Ala2Val (NM_001145527.2, NM_001354263.2, NM_001354611.2); c.-25C>T (NM_001354259.2, NM_001354612.2); short protein forms A2V.
Identifiers: ClinVar variation 2753494 (VCV002753494.3), dbSNP rs2539642090, ClinGen allele CA375778142.

ClinVar aggregate classification (germline): Uncertain significance (1 of 4 stars; one submission).

Conditions:
Kleefstra syndrome 1 (KLEFS1). Identifiers: Orphanet 261494, MedGen C0795833, MONDO:0027407, OMIM 610253.

Submission:

Labcorp Genetics (formerly Invitae), Labcorp
Classification: Uncertain significance for Kleefstra syndrome 1. Last evaluated: 2023-08-17. Review status: criteria provided, single submitter. Criteria: Invitae Variant Classification Sherloc (09022015). Collection method: clinical testing. Allele origin: germline.
Comment: An algorithm developed to predict the effect of missense changes on protein structure and function (PolyPhen-2) suggests that this variant is likely to be disruptive. In summary, the available evidence is currently insufficient to determine the role of this variant in disease. Therefore, it has been classified as a Variant of Uncertain Significance. This variant has not been reported in the literature in individuals affected with EHMT1-related conditions. The frequency data for this variant in the population databases is considered unreliable, as metrics indicate insufficient coverage at this position in the gnomAD database. This sequence change replaces alanine, which is neutral and non-polar, with valine, which is neutral and non-polar, at codon 2 of the EHMT1 protein (p.Ala2Val).